The following is an entry in ClinVar:

ClinVar aggregate classification (germline): Uncertain significance (1 of 4 stars; one submission).

Submission:

Ambry Genetics
Classification: Uncertain significance. Last evaluated: 2023-03-17. Review status: criteria provided, single submitter. Criteria: Ambry Variant Classification Scheme 2023. Collection method: clinical testing. Allele origin: germline.
Comment: The p.A114D variant (also known as c.341C>A), located in coding exon 1 of the EGLN1 gene, results from a C to A substitution at nucleotide position 341. The alanine at codon 114 is replaced by aspartic acid, an amino acid with dissimilar properties. This amino acid position is conserved. In addition, this alteration is predicted to be tolerated by in silico analysis. Since supporting evidence is limited at this time, the clinical significance of this alteration remains unclear.

NM_022051.3(EGLN1):c.341C>A (p.Ala114Asp)

Gene: EGLN1 (egl-9 family hypoxia inducible factor 1; minus strand). Cytogenetic location: 1q42.2.
Variant type: single nucleotide variant.
Coding change: c.341C>A on transcript NM_022051.3 (MANE Select); coding-DNA position 341, C replaced by A.
Protein change: p.Ala114Asp; replaces alanine 114 with aspartic acid.
Molecular consequence: missense variant.
Genome position (GRCh38, 1-based): chr1:231,421,548, G>T on the plus strand (C>A on the coding strand, the complement: EGLN1 is on the minus strand). VCF-style: chr1-231421548-G-T. GRCh37 (hg19) VCF-style: chr1-231557294-G-T.
Other names: c.341C>A, p.Ala114Asp (NM_001377260.1, NM_001377261.1); short protein forms A114D.
Identifiers: ClinVar variation 2565123 (VCV002565123.2), dbSNP rs1656608282, ClinGen allele CA345237580.